The following is an entry in ClinVar:

NM_001113491.2(SEPTIN9):c.1735A>G (p.Lys579Glu)

Gene: SEPTIN9 (septin 9; plus strand). Cytogenetic location: 17q25.3.
Variant type: single nucleotide variant.
Coding change: c.1735A>G on transcript NM_001113491.2 (MANE Select); coding-DNA position 1735, A replaced by G.
Protein change: p.Lys579Glu; replaces lysine 579 with glutamic acid.
Molecular consequence: missense variant.
Genome position (GRCh38, 1-based): chr17:77,498,632, A>G. VCF-style: chr17-77498632-A-G. GRCh37 (hg19) VCF-style: chr17-75494714-A-G.
Other names: c.1243A>G, p.Lys415Glu (NM_001113492.2, NM_001113494.1); c.1714A>G, p.Lys572Glu (NM_001113493.2); c.982A>G, p.Lys328Glu (NM_001113495.2, NM_001113496.2, NM_001293697.2 and 1 more transcripts); c.1678A>G, p.Lys560Glu (NM_001293695.2); c.1063A>G, p.Lys355Glu (NM_001293696.2); c.1681A>G, p.Lys561Glu (NM_006640.5); short protein forms K415E, K328E, K355E, K560E, K561E, K572E, K579E.
Identifiers: ClinVar variation 3672696 (VCV003672696.2).
Genomic context (GRCh38, chr17:77,498,632, plus strand): 5'-GCGTACCGTGTGAAGCGCCTCAACGAGGGCAGCAGCGCCATGGCCAACGGCATGGAGGAG[A>G]AGGAGCCAGAAGCCCCGGAGATGTAGACGCCACCCTGCCCACCCCCGGGATCCTGCCCCC-3'
Protein context (NP_001106963.1, residues 569-586): SSAMANGMEE[Lys579Glu]EPEAPEM

ClinVar aggregate classification (germline): Uncertain significance (1 of 4 stars; one submission).

gnomAD v4.1: 2 of 1,609,558 alleles (0.00012%); highest among the groups gnomAD compares: Admixed American, 0.0017%; no homozygotes.

Submission:

Labcorp Genetics (formerly Invitae), Labcorp
Classification: Uncertain significance. Last evaluated: 2024-03-03. Review status: criteria provided, single submitter. Criteria: Invitae Variant Classification Sherloc (09022015). Collection method: clinical testing. Allele origin: germline.
Comment: This sequence change replaces lysine, which is basic and polar, with glutamic acid, which is acidic and polar, at codon 561 of the SEPT9 protein (p.Lys561Glu). The frequency data for this variant in the population databases is considered unreliable, as metrics indicate poor data quality at this position in the gnomAD database. This variant has not been reported in the literature in individuals affected with SEPT9-related conditions. Algorithms developed to predict the effect of missense changes on protein structure and function output the following: SIFT: "Not Available"; PolyPhen-2: "Benign"; Align-GVGD: "Not Available". The glutamic acid amino acid residue is found in multiple mammalian species, which suggests that this missense change does not adversely affect protein function. In summary, the available evidence is currently insufficient to determine the role of this variant in disease. Therefore, it has been classified as a Variant of Uncertain Significance.